The following is an entry in ClinVar:

NM_000246.4(CIITA):c.1951G>A (p.Asp651Asn)

Gene: CIITA (class II major histocompatibility complex transactivator; plus strand). Cytogenetic location: 16p13.13.
Variant type: single nucleotide variant.
Coding change: c.1951G>A on transcript NM_000246.4 (MANE Select); coding-DNA position 1951, G replaced by A.
Protein change: p.Asp651Asn; replaces aspartic acid 651 with asparagine.
Molecular consequence: missense variant. On other transcripts: intron variant (1).
Genome position (GRCh38, 1-based): chr16:10,907,443, G>A. VCF-style: chr16-10907443-G-A. GRCh37 (hg19) VCF-style: chr16-11001300-G-A.
Other names: c.1954G>A, p.Asp652Asn (NM_001286402.1, NM_001379332.1); c.1807G>A, p.Asp603Asn (NM_001379330.1); c.1804G>A, p.Asp602Asn (NM_001379331.1); c.1951G>A, p.Asp651Asn (NM_001379333.1); c.1882G>A, p.Asp628Asn (NM_001379334.1); c.860-1540G>A (NM_001286403.2); short protein forms D602N, D628N, D603N, D652N, D651N.
Identifiers: ClinVar variation 2162343 (VCV002162343.2), dbSNP rs746266564, ClinGen allele CA7900253.

ClinVar aggregate classification (germline): Uncertain significance (1 of 4 stars; one submission).

Conditions:
MHC class II deficiency. Also called: Bare lymphocyte syndrome 2; BLS, TYPE II. Identifiers: Orphanet 572, MedGen C5447452, MONDO:0008855.

Allele frequency attached by ClinVar (database versions not stated): ExAC 0.00002; gnomAD 0.00002; TOPMed 0.00002.
gnomAD v4.1: 15 of 1,612,750 alleles (0.00093%); highest among the groups gnomAD compares: East Asian, 0.018%; no homozygotes.

Submission:

Labcorp Genetics (formerly Invitae), Labcorp
Classification: Uncertain significance for MHC class II deficiency. Last evaluated: 2024-02-17. Review status: criteria provided, single submitter. Criteria: Invitae Variant Classification Sherloc (09022015). Collection method: clinical testing. Allele origin: germline.
Comment: This sequence change replaces aspartic acid, which is acidic and polar, with asparagine, which is neutral and polar, at codon 651 of the CIITA protein (p.Asp651Asn). This variant is present in population databases (rs746266564, gnomAD 0.01%). This variant has not been reported in the literature in individuals affected with CIITA-related conditions. ClinVar contains an entry for this variant (Variation ID: 2162343). Algorithms developed to predict the effect of missense changes on protein structure and function output the following: SIFT: "Not Available"; PolyPhen-2: "Benign"; Align-GVGD: "Not Available". The asparagine amino acid residue is found in multiple mammalian species, which suggests that this missense change does not adversely affect protein function. In summary, the available evidence is currently insufficient to determine the role of this variant in disease. Therefore, it has been classified as a Variant of Uncertain Significance.